The following is an entry in ClinVar:

NM_201384.3(PLEC):c.12899G>A (p.Arg4300Gln)

Gene: PLEC (plectin; minus strand). Cytogenetic location: 8q24.3.
Variant type: single nucleotide variant.
Coding change: c.12899G>A on transcript NM_201384.3 (MANE Select); coding-DNA position 12899, G replaced by A.
Protein change: p.Arg4300Gln; replaces arginine 4300 with glutamine.
Molecular consequence: missense variant.
Genome position (GRCh38, 1-based): chr8:143,916,922, C>T on the plus strand (G>A on the coding strand, the complement: PLEC is on the minus strand). VCF-style: chr8-143916922-C-T. GRCh37 (hg19) VCF-style: chr8-144991090-C-T.
Other names: c.12980G>A, p.Arg4327Gln (NM_000445.5); c.9599G>A, p.Arg3200Gln (NM_001410941.1); c.12857G>A, p.Arg4286Gln (NM_201378.4); c.12833G>A, p.Arg4278Gln (NM_201379.3); c.13310G>A, p.Arg4437Gln (NM_201380.4); c.12803G>A, p.Arg4268Gln (NM_201381.3); c.12899G>A, p.Arg4300Gln (NM_201382.4); c.12911G>A, p.Arg4304Gln (NM_201383.3); and 1 more; short protein forms R4304Q, R4437Q, R4268Q, R4286Q, R4327Q, R4278Q, R4300Q, R3200Q.
Identifiers: ClinVar variation 2202355 (VCV002202355.5), dbSNP rs371875530, ClinGen allele CA4923954.
Genomic context (GRCh38, chr8:143,916,922, plus strand): 5'-CCCCCGGTGCAGGCCTGCGCCTCCAGCAGCCGCTGCCCCGTGATGTTATCCACCAGGTTC[C>T]GGTGCATGGCCTCGGTGATGGACACCTTCTCCAGCGTCTCCGTGTCCAGGATGCCAGCCA-3'
Protein context (NP_958786.1, residues 4290-4310): EKVSITEAMH[Arg4300Gln]NLVDNITGQR

ClinVar aggregate classification (germline): Uncertain significance. Review status: criteria provided, multiple submitters, no conflicts (2 of 4 stars). 2 submissions from 2 submitters: Uncertain significance (2). Last evaluated 2025-02-10.

Conditions:
Epidermolysis bullosa simplex 5B, with muscular dystrophy (EBS5B). Also called: EPIDERMOLYSIS BULLOSA SIMPLEX AND LIMB-GIRDLE MUSCULAR DYSTROPHY; Epidermolysis bullosa simplex with muscular dystrophy. Identifiers: Orphanet 257, MedGen C2931072, MONDO:0009181, OMIM 226670.
Epidermolysis bullosa simplex 5C, with pyloric atresia (EBS5C). Also called: PLEC-Related Epidermolysis Bullosa with Pyloric Atresia; Epidermolysis bullosa simplex with pyloric atresia; PLEC1-Related Epidermolysis Bullosa with Pyloric Atresia. Identifiers: Orphanet 158684, MedGen C2677349, MONDO:0012807, OMIM 612138.
Autosomal recessive limb-girdle muscular dystrophy type 2Q (LGMDR17). Also called: MUSCULAR DYSTROPHY, LIMB-GIRDLE, AUTOSOMAL RECESSIVE 17. Identifiers: Orphanet 254361, MedGen C3150989, MONDO:0013390, OMIM 613723.
Epidermolysis bullosa simplex with nail dystrophy (EBS5D). Identifiers: MedGen C4225309, MONDO:0014661, OMIM 616487.
Epidermolysis bullosa simplex, Ogna type (EBS5A). Also called: Pidermolysis bullosa simplex 5A, Ogna type; EPIDERMOLYSIS BULLOSA SIMPLEX 5A, OGNA TYPE. Identifiers: Orphanet 79401, MedGen C0432317, MONDO:0007555, OMIM 131950.
Inborn genetic diseases. Identifiers: MedGen C0950123, MeSH D030342.

Allele frequency attached by ClinVar (database versions not stated): TOPMed 0.00001; ExAC 0.00002; gnomAD exomes 0.00002; ESP Exome Variant Server 0.00008.
gnomAD v4.1: 25 of 1,612,876 alleles (0.0016%); highest among the groups gnomAD compares: Admixed American, 0.0033%; no homozygotes.

Submissions (2):

Ambry Genetics
Classification: Uncertain significance for Inborn genetic diseases. Last evaluated: 2025-02-10. Review status: criteria provided, single submitter. Criteria: Ambry Variant Classification Scheme 2023. Collection method: clinical testing. Allele origin: germline.

Labcorp Genetics (formerly Invitae), Labcorp
Classification: Uncertain significance for Autosomal recessive limb-girdle muscular dystrophy type 2Q; Epidermolysis bullosa simplex, Ogna type; Epidermolysis bullosa simplex with nail dystrophy; Epidermolysis bullosa simplex 5C, with pyloric atresia; Epidermolysis bullosa simplex 5B, with muscular dystrophy. Last evaluated: 2022-07-23. Review status: criteria provided, single submitter. Criteria: Invitae Variant Classification Sherloc (09022015). Collection method: clinical testing. Allele origin: germline.
Comment: In summary, the available evidence is currently insufficient to determine the role of this variant in disease. Therefore, it has been classified as a Variant of Uncertain Significance. Algorithms developed to predict the effect of missense changes on protein structure and function (SIFT, PolyPhen-2, Align-GVGD) all suggest that this variant is likely to be disruptive. This variant has not been reported in the literature in individuals affected with PLEC-related conditions. This variant is present in population databases (rs371875530, gnomAD 0.003%). This sequence change replaces arginine, which is basic and polar, with glutamine, which is neutral and polar, at codon 4327 of the PLEC protein (p.Arg4327Gln).